The following is an entry in ClinVar:

NM_003384.3(VRK1):c.161-3C>T

Gene: VRK1 (VRK serine/threonine kinase 1; plus strand). Cytogenetic location: 14q32.2.
Variant type: single nucleotide variant.
Coding change: c.161-3C>T on transcript NM_003384.3 (MANE Select); 3 bases into the intron before coding-DNA position 161, C replaced by T.
Molecular consequence: intron variant.
Genome position (GRCh38, 1-based): chr14:96,837,759, C>T. VCF-style: chr14-96837759-C-T. GRCh37 (hg19) VCF-style: chr14-97304096-C-T.
Identifiers: ClinVar variation 641662 (VCV000641662.14), dbSNP rs746546400, ClinGen allele CA7338874.

ClinVar aggregate classification (germline): Uncertain significance. Review status: criteria provided, multiple submitters, no conflicts (2 of 4 stars). 6 submissions from 6 submitters: Uncertain significance (5). 1 of the submissions does not count toward it. Last evaluated 2026-09-22.

Conditions:
Congenital pontocerebellar hypoplasia type 1. Also called: Pontocerebellar hypoplasia type 1. Identifiers: Orphanet 2254, MedGen C5442006, MONDO:0016396.
Inborn genetic diseases. Identifiers: MedGen C0950123, MeSH D030342.
VRK1-related disorder. Also called: VRK1-related condition.
Pontocerebellar hypoplasia type 1A (PCH1A). Also called: PONTOCEREBELLAR HYPOPLASIA WITH ANTERIOR HORN CELL DISEASE; PONTOCEREBELLAR HYPOPLASIA WITH INFANTILE SPINAL MUSCULAR ATROPHY. Identifiers: Orphanet 2254, Orphanet 88616, MedGen C1843504, MONDO:0011866, OMIM 607596.

Allele frequency attached by ClinVar (database versions not stated): gnomAD 0.00006; gnomAD exomes 0.00006 and 0.00009; TOPMed 0.00006; ExAC 0.00007.
gnomAD v4.1: 140 of 1,550,086 alleles (0.009%); highest among the groups gnomAD compares: Non-Finnish European, 0.011%; no homozygotes.

Submissions (6):

PreventionGenetics, part of Exact Sciences
Classification: Uncertain significance for VRK1-related condition. Last evaluated: 2026-09-22. Review status: criteria provided, single submitter. Criteria: ACMG Guidelines, 2015. Collection method: clinical testing. Allele origin: germline.
Comment: The VRK1 c.161-3C>T variant is predicted to interfere with splicing. However, the use of computer prediction programs is not equivalent to functional evidence. To our knowledge, this variant has not been reported in the literature. This variant is reported in 0.012% of alleles in individuals of European (non-Finnish) descent in gnomAD. At this time, the clinical significance of this variant is uncertain due to the absence of conclusive functional and genetic evidence.

GeneDx
Classification: Uncertain significance. Last evaluated: 2025-07-31. Review status: criteria provided, single submitter. Criteria: GeneDx Variant Classification Process June 2021. Collection method: clinical testing. Allele origin: germline. Affected: yes.
Comment: Not observed at significant frequency in large population cohorts (gnomAD); In silico analysis suggests that this variant does not alter splicing; Has not been previously published as pathogenic or benign to our knowledge

Labcorp Genetics (formerly Invitae), Labcorp
Classification: Uncertain significance for Pontocerebellar hypoplasia type 1A. Last evaluated: 2025-02-13. Review status: criteria provided, single submitter. Criteria: Invitae Variant Classification Sherloc (09022015). Collection method: clinical testing. Allele origin: germline.
Comment: This sequence change falls in intron 2 of the VRK1 gene. It does not directly change the encoded amino acid sequence of the VRK1 protein. It affects a nucleotide within the consensus splice site. This variant is present in population databases (rs746546400, gnomAD 0.01%). This variant has not been reported in the literature in individuals affected with VRK1-related conditions. ClinVar contains an entry for this variant (Variation ID: 641662). Variants that disrupt the consensus splice site are a relatively common cause of aberrant splicing (PMID: 17576681, 9536098). Algorithms developed to predict the effect of sequence changes on RNA splicing suggest that this variant is not likely to affect RNA splicing. In summary, the available evidence is currently insufficient to determine the role of this variant in disease. Therefore, it has been classified as a Variant of Uncertain Significance.

Ambry Genetics
Classification: Uncertain significance for Inborn genetic diseases. Last evaluated: 2019-10-30. Review status: criteria provided, single submitter. Criteria: Ambry Variant Classification Scheme 2023. Collection method: clinical testing. Allele origin: germline.
Comment: The c.161-3C>T intronic variant results from a C to T substitution 3 nucleotides upstream from coding exon 2 in the VRK1 gene. This nucleotide position is highly conserved in available vertebrate species. Using two different splice site prediction tools, this alteration is predicted by ESEfinder to abolish the native splice acceptor site, but is not predicted to have a deleterious effect on this splice acceptor site by BDGP; however, direct evidence is unavailable. Since supporting evidence is limited at this time, the clinical significance of this alteration remains unclear.

Illumina Laboratory Services, Illumina
Classification: Uncertain significance for Pontocerebellar hypoplasia type 1A. Last evaluated: 2018-01-13. Review status: criteria provided, single submitter. Criteria: ICSL Variant Classification Criteria 13 December 2019. Collection method: clinical testing. Allele origin: germline.

Natera, Inc.
Classification: Uncertain significance for Pontocerebellar hypoplasia type 1. Last evaluated: 2020-10-30. Review status: no assertion criteria provided. Collection method: clinical testing. Allele origin: germline. Not counted in ClinVar's aggregate classification.

Literature cited by the submitters: PubMed 17576681 (cited by Labcorp Genetics (formerly Invitae), Labcorp); PubMed 9536098 (cited by Labcorp Genetics (formerly Invitae), Labcorp).